The following is an entry in ClinVar:

NM_000153.4(GALC):c.730T>C (p.Phe244Leu)

Gene: GALC (galactosylceramidase; minus strand). Cytogenetic location: 14q31.3.
Variant type: single nucleotide variant.
Coding change: c.730T>C on transcript NM_000153.4 (MANE Select); coding-DNA position 730, T replaced by C.
Protein change: p.Phe244Leu; replaces phenylalanine 244 with leucine.
Molecular consequence: missense variant. On other transcripts: non-coding transcript variant (1).
Genome position (GRCh38, 1-based): chr14:87,976,380, A>G on the plus strand (T>C on the coding strand, the complement: GALC is on the minus strand). VCF-style: chr14-87976380-A-G. GRCh37 (hg19) VCF-style: chr14-88442724-A-G.
Other names: c.661T>C, p.Phe221Leu (NM_001201401.2); c.652T>C, p.Phe218Leu (NM_001201402.2); c.562T>C, p.Phe188Leu (NM_001424071.1, NM_001424072.1, NM_001424073.1); c.382T>C, p.Phe128Leu (NM_001424074.1, NM_001424075.1); c.97T>C, p.Phe33Leu (NM_001424076.1, NM_001424077.1); short protein forms F218L, F128L, F188L, F33L, F221L, F244L.
Identifiers: ClinVar variation 4773640 (VCV004773640.1).
Genomic context (GRCh38, chr14:87,976,380, plus strand): 5'-TCAGAAACTGCTAGTTTTCCAAGTAAAACATGCCTTACCCTATAACATCAACCACCTTGA[A>G]GAGTTCGGCATCAAGGAGCATGGATGCAGAGATGGACTCCCAGAGATTATCACTTGCTAT-3'
Protein context (NP_000144.2, residues 234-254): SASMLLDAEL[Phe244Leu]KVVDVIGAHY

ClinVar aggregate classification (germline): Uncertain significance (1 of 4 stars; one submission).

Conditions:
Galactosylceramide beta-galactosidase deficiency. Also called: Leukodystrophy, Globoid Cell; Krabbe Disease; GALACTOCEREBROSIDASE DEFICIENCY; GALC DEFICIENCY; GLOBOID CELL LEUKOENCEPHALOPATHY. Identifiers: Orphanet 487, MedGen C0023521, MONDO:0009499, OMIM 245200.

gnomAD v4.1: 1 of 1,614,050 alleles (0.000062%); highest among the groups gnomAD compares: South Asian, 0.0011%; no homozygotes.

Submission:

Labcorp Genetics (formerly Invitae), Labcorp
Classification: Uncertain significance for Galactosylceramide beta-galactosidase deficiency. Last evaluated: 2025-02-04. Review status: criteria provided, single submitter. Criteria: Invitae Variant Classification Sherloc (09022015). Collection method: clinical testing. Allele origin: germline.
Comment: This sequence change replaces phenylalanine, which is neutral and non-polar, with leucine, which is neutral and non-polar, at codon 244 of the GALC protein (p.Phe244Leu). This variant is not present in population databases (gnomAD no frequency). This variant has not been reported in the literature in individuals affected with GALC-related conditions. Invitae Evidence Modeling of protein sequence and biophysical properties (such as structural, functional, and spatial information, amino acid conservation, physicochemical variation, residue mobility, and thermodynamic stability) indicates that this missense variant is not expected to disrupt GALC protein function with a negative predictive value of 95%. In summary, the available evidence is currently insufficient to determine the role of this variant in disease. Therefore, it has been classified as a Variant of Uncertain Significance.